The following is an entry in ClinVar:

NM_001374736.1(DST):c.13273A>G (p.Ile4425Val)

Gene: DST (dystonin; minus strand). Cytogenetic location: 6p12.1.
Variant type: single nucleotide variant.
Coding change: c.13273A>G on transcript NM_001374736.1 (MANE Select); coding-DNA position 13273, A replaced by G.
Protein change: p.Ile4425Val; replaces isoleucine 4425 with valine.
Molecular consequence: missense variant.
Genome position (GRCh38, 1-based): chr6:56,573,028, T>C on the plus strand (A>G on the coding strand, the complement: DST is on the minus strand). VCF-style: chr6-56573028-T-C. GRCh37 (hg19) VCF-style: chr6-56437826-T-C.
Other names: p.Ile1802Val; c.6916A>G, p.Ile2306Val (NM_001144769.5); c.6502A>G, p.Ile2168Val (NM_001144770.2); c.13273A>G, p.Ile4425Val (NM_001374722.1); c.12640A>G, p.Ile4214Val (NM_001374729.1); c.6382A>G, p.Ile2128Val (NM_001374730.1, NM_001386100.1, NM_183380.4); c.13300A>G, p.Ile4434Val (NM_001374734.1); c.5404A>G, p.Ile1802Val (NM_015548.5); short protein forms I1802V, I2306V, I2128V, I2168V, I4214V, I4425V, I4434V.
Identifiers: ClinVar variation 663290 (VCV000663290.18), dbSNP rs182262649, ClinGen allele CA3868240.

ClinVar aggregate classification (germline): Conflicting classifications of pathogenicity. Review status: criteria provided, conflicting classifications (1 of 4 stars). 6 submissions from 6 submitters: Uncertain significance (5); Likely benign (1). Last evaluated 2026-05-13.

Conditions:
Epidermolysis bullosa simplex 3, localized or generalized intermediate, with BP230 deficiency (EBS3). Also called: Epidermolysis bullosa simplex, autosomal recessive 2; Epidermolysis bullosa simplex due to BP230 deficiency. Identifiers: Orphanet 412181, MedGen C3809470, MONDO:0014180, OMIM 615425.
Hereditary sensory and autonomic neuropathy type 6. Also called: HSAN VI; Neuropathy, hereditary sensory and autonomic, type VI. Identifiers: Orphanet 314381, MedGen C3539003, MONDO:0013839, OMIM 614653.
DST-related disorder. Also called: DST-related condition; DST-related disorders.
Inborn genetic diseases. Identifiers: MedGen C0950123, MeSH D030342.

Allele frequency attached by ClinVar (database versions not stated): 1000 Genomes Project 30x 0.00016; ESP Exome Variant Server 0.00017; 1000 Genomes Project 0.00020; gnomAD exomes 0.00020 and 0.00038; ExAC 0.00026; gnomAD 0.00031 and 0.00033; TOPMed 0.00031.

Submissions (6):

PreventionGenetics, part of Exact Sciences
Classification: Uncertain significance for DST-related condition. Last evaluated: 2026-05-13. Review status: criteria provided, single submitter. Criteria: ACMG Guidelines, 2015. Collection method: clinical testing. Allele origin: germline.
Comment: The DST c.6916A>G variant is predicted to result in the amino acid substitution p.Ile2306Val. Of note, this variant can also be referred to as c.*42489A>G (post-coding) with the epithelial isoform, NM_001723. To our knowledge, this variant has not been reported in the literature. This variant is reported in 0.044% of alleles in individuals of European (non-Finnish) descent in gnomAD. At this time, the clinical significance of this variant is uncertain due to the absence of conclusive functional and genetic evidence.

Labcorp Genetics (formerly Invitae), Labcorp
Classification: Uncertain significance for Epidermolysis bullosa simplex 3, localized or generalized intermediate, with BP230 deficiency; Hereditary sensory and autonomic neuropathy type 6. Last evaluated: 2026-01-19. Review status: criteria provided, single submitter. Criteria: Invitae Variant Classification Sherloc (09022015). Collection method: clinical testing. Allele origin: germline.
Comment: The DST gene has multiple clinically relevant transcripts. This variant occurs in alternate transcript NM_015548.4, and corresponds to NM_001723.5:c.*42489A>G in the primary transcript. This sequence change replaces isoleucine, which is neutral and non-polar, with valine, which is neutral and non-polar, at codon 1802 of the DST protein (p.Ile1802Val). This variant is present in population databases (rs182262649, gnomAD 0.04%). This variant has not been reported in the literature in individuals affected with DST-related conditions. ClinVar contains an entry for this variant (Variation ID: 663290). An algorithm developed to predict the effect of missense changes on protein structure and function outputs the following: PolyPhen-2: "Not Available". The valine amino acid residue is found in multiple mammalian species, which suggests that this missense change does not adversely affect protein function. In summary, the available evidence is currently insufficient to determine the role of this variant in disease. Therefore, it has been classified as a Variant of Uncertain Significance.

CeGaT Center for Human Genetics Tuebingen
Classification: Likely benign. Last evaluated: 2026-01-01. Review status: criteria provided, single submitter. Criteria: CeGaT Center For Human Genetics Tuebingen Variant Classification Criteria Version 2. Collection method: clinical testing. Allele origin: germline. Affected: yes. Observed: 2 variant alleles.
Comment: DST: BP4

Mayo Clinic Laboratories, Mayo Clinic
Classification: Uncertain significance. Last evaluated: 2025-05-05. Review status: criteria provided, single submitter. Criteria: ACMG Guidelines, 2015. Collection method: clinical testing. Allele origin: germline. Observed: 2 variant alleles.
Comment: BP4_moderate

Ambry Genetics
Classification: Uncertain significance for Inborn genetic diseases. Last evaluated: 2022-06-07. Review status: criteria provided, single submitter. Criteria: Ambry Variant Classification Scheme 2023. Collection method: clinical testing. Allele origin: germline.

GeneDx
Classification: Uncertain significance. Last evaluated: 2020-01-29. Review status: criteria provided, single submitter. Criteria: GeneDx Variant Classification Process June 2021. Collection method: clinical testing. Allele origin: germline. Affected: yes.
Comment: In silico analysis, which includes protein predictors and evolutionary conservation, supports that this variant does not alter protein structure/function; Has not been previously published as pathogenic or benign to our knowledge